The following is an entry in ClinVar:

ClinVar aggregate classification (germline): Uncertain significance (1 of 4 stars; one submission).

Allele frequency attached by ClinVar (database versions not stated): gnomAD exomes below 0.00001; TOPMed below 0.00001; ExAC 0.00001; gnomAD 0.00001.
gnomAD v4.1: 6 of 1,608,360 alleles (0.00037%); highest among the groups gnomAD compares: Non-Finnish European, 0.00051%; no homozygotes.

Submission:

Ambry Genetics
Classification: Uncertain significance. Last evaluated: 2023-12-23. Review status: criteria provided, single submitter. Criteria: Ambry Variant Classification Scheme 2023. Collection method: clinical testing. Allele origin: germline.
Comment: The p.S1104P variant (also known as c.3310T>C), located in coding exon 19 of the PALLD gene, results from a T to C substitution at nucleotide position 3310. The serine at codon 1104 is replaced by proline, an amino acid with similar properties. This amino acid position is conserved. In addition, this alteration is predicted to be tolerated by in silico analysis. Since supporting evidence is limited at this time, the clinical significance of this alteration remains unclear.

NM_001166108.2(PALLD):c.3361T>C (p.Ser1121Pro)

Genes: CBR4 (carbonyl reductase 4; minus strand), PALLD (palladin, cytoskeletal associated protein; plus strand). Cytogenetic location: 4q32.3.
Variant type: single nucleotide variant.
Coding change: c.3361T>C on transcript NM_001166108.2 (MANE Select); coding-DNA position 3361, T replaced by C.
Protein change: p.Ser1121Pro; replaces serine 1121 with proline.
Molecular consequence: missense variant. On other transcripts: intron variant (4).
Genome position (GRCh38, 1-based): chr4:168,925,235, T>C. VCF-style: chr4-168925235-T-C. GRCh37 (hg19) VCF-style: chr4-169846386-T-C.
Other names: c.1189T>C, p.Ser397Pro (NM_001367567.1); c.1240T>C, p.Ser414Pro (NM_001367570.1); c.3310T>C, p.Ser1104Pro (NM_016081.4); c.2161+157T>C (NM_001166109.2); c.1846+157T>C (NM_001166110.2); c.1237+157T>C (NM_001367568.1); c.1186+157T>C (NM_001367569.1); short protein forms S397P, S1104P, S1121P, S414P.
Identifiers: ClinVar variation 1730090 (VCV001730090.2), dbSNP rs773012524, ClinGen allele CA3136121.
Genomic context (GRCh38, chr4:168,925,235, plus strand): 5'-TATTGTGTTTTATTTGTCAAAAAAATTCATATTGCTCTCTCTCTCTTTCTATTTGTAGTT[T>C]CTCGACATTAATAGTGAACCACACCAGGAGAACAAATACCCAAGTATCATTCAGGAACTT-3'
Protein context (NP_001159580.1, residues 1111-1123): SCTARLDVYI[Ser1121Pro]RH